The following is an entry in ClinVar:

NM_139276.3(STAT3):c.1052T>C (p.Leu351Ser)

Gene: STAT3 (signal transducer and activator of transcription 3; minus strand). Cytogenetic location: 17q21.2.
Variant type: single nucleotide variant.
Coding change: c.1052T>C on transcript NM_139276.3 (MANE Select); coding-DNA position 1052, T replaced by C.
Protein change: p.Leu351Ser; replaces leucine 351 with serine.
Molecular consequence: missense variant. On other transcripts: intron variant (1).
Genome position (GRCh38, 1-based): chr17:42,331,529, A>G on the plus strand (T>C on the coding strand, the complement: STAT3 is on the minus strand). VCF-style: chr17-42331529-A-G. GRCh37 (hg19) VCF-style: chr17-40483547-A-G.
Other names: c.1052T>C, p.Leu351Ser (NM_001369512.1, NM_001369513.1, NM_001369514.1 and 14 more transcripts); c.1050-1753T>C (NM_001384992.1); c.974T>C, p.Leu325Ser (NM_001384985.1); c.956T>C, p.Leu319Ser (NM_001384989.1); short protein forms L325S, L351S, L319S.
Identifiers: ClinVar variation 2950972 (VCV002950972.5), dbSNP rs2509358038, ClinGen allele CA399590132.
Genomic context (GRCh38, chr17:42,331,529, plus strand): 5'-TACTTGTCAATGCACACTTTAATTTTAAGCTGATAATTCAACTCAGGGAATTTGACCAGC[A>G]ACCTATTTAAAAAGAAAAAATCCAAGGAAAAAAAGTCAGTAACTCTCCCATAACCTTTTC-3'
Protein context (NP_644805.1, residues 341-361): TGVQFTTKVR[Leu351Ser]LVKFPELNYQ

ClinVar aggregate classification (germline): Uncertain significance. Review status: criteria provided, multiple submitters, no conflicts (2 of 4 stars). 2 submissions from 2 submitters: Uncertain significance (2). Last evaluated 2025-02-11.

Conditions:
STAT3 gain of function. Identifiers: MedGen C4288261.
Hyper-IgE recurrent infection syndrome 1, autosomal dominant. Also called: JOB SYNDROME; Job's Syndrome; STAT3 Hyper IgE Syndrome; Hyper-IgE recurrent infection syndrome 1; HYPER-IgE SYNDROME 1, AUTOSOMAL DOMINANT, WITH RECURRENT INFECTIONS. Identifiers: Orphanet 2314, MedGen C2936739, MONDO:0007818, OMIM 147060.

Submissions (2):

Dasa
Classification: Uncertain significance. Last evaluated: 2025-02-11. Review status: criteria provided, single submitter. Criteria: DASA Assertion Criteria. Collection method: clinical testing. Allele origin: germline.
Comment: NM_139276.3(STAT3):c.1052T>C (p.Leu351Ser) is a missense variant that results in the substitution of leucine with serine. This variant is absent from population databases. Computational prediction algorithms are consistent with a deleterious effect. The currently available literature and clinical evidence are not sufficient to establish a definitive association between this variant and the reported condition. Therefore, this variant is classified as a variant of uncertain significance.

Labcorp Genetics (formerly Invitae), Labcorp
Classification: Uncertain significance for STAT3 gain of function; Hyper-IgE recurrent infection syndrome 1, autosomal dominant. Last evaluated: 2023-10-09. Review status: criteria provided, single submitter. Criteria: Invitae Variant Classification Sherloc (09022015). Collection method: clinical testing. Allele origin: germline.
Comment: This sequence change replaces leucine, which is neutral and non-polar, with serine, which is neutral and polar, at codon 351 of the STAT3 protein (p.Leu351Ser). This variant is not present in population databases (gnomAD no frequency). This variant has not been reported in the literature in individuals affected with STAT3-related conditions. An algorithm developed to predict the effect of missense changes on protein structure and function (PolyPhen-2) suggests that this variant is likely to be disruptive. In summary, the available evidence is currently insufficient to determine the role of this variant in disease. Therefore, it has been classified as a Variant of Uncertain Significance.